The following is an entry in ClinVar:

ClinVar aggregate classification (germline): Uncertain significance (1 of 4 stars; one submission).

Submission:

GeneDx
Classification: Uncertain significance. Last evaluated: 2022-01-26. Review status: criteria provided, single submitter. Criteria: GeneDx Variant Classification Process June 2021. Collection method: clinical testing. Allele origin: germline. Affected: yes.
Comment: Not observed at significant frequency in large population cohorts (gnomAD); In silico analysis supports that this missense variant does not alter protein structure/function; Has not been previously published as pathogenic or benign to our knowledge

NM_018116.4(MSTO1):c.1060G>T (p.Val354Phe)

Gene: MSTO1 (misato mitochondrial distribution and morphology regulator 1; plus strand). Cytogenetic location: 1q22.
Variant type: single nucleotide variant.
Coding change: c.1060G>T on transcript NM_018116.4 (MANE Select); coding-DNA position 1060, G replaced by T.
Protein change: p.Val354Phe; replaces valine 354 with phenylalanine.
Molecular consequence: missense variant. On other transcripts: non-coding transcript variant (6).
Genome position (GRCh38, 1-based): chr1:155,612,937, G>T. VCF-style: chr1-155612937-G-T. GRCh37 (hg19) VCF-style: chr1-155582728-G-T.
Other names: c.1060G>T, p.Val354Phe (NM_001256532.1, NM_001256533.1, NM_001350772.1 and 3 more transcripts); c.895G>T, p.Val299Phe (NM_001350776.1); c.529G>T, p.Val177Phe (NM_001350777.1, NM_001350778.1, NM_001350779.1); c.526G>T, p.Val176Phe (NM_001350780.1, NM_001350781.1, NM_001350782.1 and 3 more transcripts); c.517G>T, p.Val173Phe (NM_001350784.1, NM_001350785.1, NM_001350787.1 and 1 more transcripts); short protein forms V173F, V176F, V177F, V299F, V354F.
Identifiers: ClinVar variation 1699858 (VCV001699858.2), dbSNP rs2148993744, ClinGen allele CA342759527.